The following is an entry in ClinVar:

NM_001136193.2(FASTKD2):c.44G>A (p.Ser15Asn)

Gene: FASTKD2 (FAST kinase domains 2; plus strand). Cytogenetic location: 2q33.3.
Variant type: single nucleotide variant.
Coding change: c.44G>A on transcript NM_001136193.2 (MANE Select); coding-DNA position 44, G replaced by A.
Protein change: p.Ser15Asn; replaces serine 15 with asparagine.
Molecular consequence: missense variant.
Genome position (GRCh38, 1-based): chr2:206,766,737, G>A. VCF-style: chr2-206766737-G-A. GRCh37 (hg19) VCF-style: chr2-207631461-G-A.
Other names: c.44G>A, p.Ser15Asn (NM_001136194.2, NM_014929.4); short protein forms S15N.
Identifiers: ClinVar variation 333800 (VCV000333800.20), dbSNP rs3762568, ClinGen allele CA2074817.

ClinVar aggregate classification (germline): Benign. Review status: criteria provided, multiple submitters, no conflicts (2 of 4 stars). 5 submissions from 5 submitters: Benign (4). 1 of the submissions does not count toward it. Last evaluated 2026-02-01.

Conditions:
Mitochondrial complex IV deficiency, nuclear type 1 (MC4DN1). Also called: COX DEFICIENCY; Mitochondrial complex IV deficiency; Complex 4 mitochondrial respiratory chain deficiency; Deficiency of mitochondrial respiratory chain complex4; Complex IV deficiency. Identifiers: MedGen C5435656, MONDO:0700250, OMIM 220110. Disease mechanism: loss of function.

Allele frequency attached by ClinVar (database versions not stated): gnomAD exomes 0.07952 and 0.08303; ExAC 0.08430; 1000 Genomes Project 0.11562; 1000 Genomes Project 30x 0.11930; gnomAD 0.12013 and 0.12294; TOPMed 0.12615; ESP Exome Variant Server 0.13278.
gnomAD v4.1: 139,818 of 1,613,708 alleles (8.7%); highest among the groups gnomAD compares: African/African-American, 25%; 7,451 homozygotes.

Submissions (5):

Labcorp Genetics (formerly Invitae), Labcorp
Classification: Benign. Last evaluated: 2026-02-01. Review status: criteria provided, single submitter. Criteria: Invitae Variant Classification Sherloc (09022015). Collection method: clinical testing. Allele origin: germline.

Illumina Laboratory Services, Illumina
Classification: Benign for Mitochondrial complex IV deficiency, nuclear type 1. Last evaluated: 2018-01-13. Review status: criteria provided, single submitter. Criteria: ICSL Variant Classification Criteria 13 December 2019. Collection method: clinical testing. Allele origin: germline.
Comment: This variant was observed in the ICSL laboratory as part of a predisposition screen in an ostensibly healthy population. It had not been previously curated by ICSL or reported in the Human Gene Mutation Database (HGMD: prior to June 1st, 2018), and was therefore a candidate for classification through an automated scoring system. Utilizing variant allele frequency, disease prevalence and penetrance estimates, and inheritance mode, an automated score was calculated to assess if this variant is too frequent to cause the disease. Based on the score and internal cut-off values, a variant classified as benign is not then subjected to further curation. The score for this variant resulted in a classification of benign for this disease.

GeneDx
Classification: Benign. Last evaluated: 2015-03-03. Review status: criteria provided, single submitter. Criteria: GeneDx Variant Classification Process June 2021. Collection method: clinical testing. Allele origin: germline. Affected: yes.

Breakthrough Genomics
Classification: Benign. Review status: criteria provided, single submitter. Criteria: ACMG Guidelines, 2015. Collection method: not provided. Allele origin: germline. Inheritance: Autosomal recessive inheritance. Affected: yes.

Mayo Clinic Laboratories, Mayo Clinic
Classification: Benign. Last evaluated: 2016-02-15. Review status: no assertion criteria provided. Collection method: clinical testing. Allele origin: unknown. Not counted in ClinVar's aggregate classification.